The following is an entry in ClinVar:

NM_001170629.2(CHD8):c.7023A>T (p.Leu2341Phe)

Genes: CHD8 (chromodomain helicase DNA binding protein 8; minus strand), LOC126861888 (CDK7 strongly-dependent group 2 enhancer GRCh37_chr14:21859227-21860426; plus strand). Cytogenetic location: 14q11.2.
Variant type: single nucleotide variant.
Coding change: c.7023A>T on transcript NM_001170629.2 (MANE Select); coding-DNA position 7023, A replaced by T.
Protein change: p.Leu2341Phe; replaces leucine 2341 with phenylalanine.
Molecular consequence: missense variant.
Genome position (GRCh38, 1-based): chr14:21,391,505, T>A on the plus strand (A>T on the coding strand, the complement: CHD8 is on the minus strand). VCF-style: chr14-21391505-T-A. GRCh37 (hg19) VCF-style: chr14-21859664-T-A.
Other names: c.6186A>T, p.Leu2062Phe (NM_020920.4); short protein forms L2062F, L2341F.
Identifiers: ClinVar variation 3363646 (VCV003363646.1).

ClinVar aggregate classification (germline): Uncertain significance (1 of 4 stars; one submission).

Submission:

GeneDx
Classification: Uncertain significance. Last evaluated: 2023-10-31. Review status: criteria provided, single submitter. Criteria: GeneDx Variant Classification Process June 2021. Collection method: clinical testing. Allele origin: germline. Affected: yes.
Comment: Not observed at significant frequency in large population cohorts (gnomAD); In silico analysis supports that this missense variant has a deleterious effect on protein structure/function; Has not been previously published as pathogenic or benign to our knowledge